The following is an entry in ClinVar:

NM_005228.5(EGFR):c.2741C>G (p.Pro914Arg)

Gene: EGFR (epidermal growth factor receptor; plus strand). Cytogenetic location: 7p11.2.
Variant type: single nucleotide variant.
Coding change: c.2741C>G on transcript NM_005228.5 (MANE Select); coding-DNA position 2741, C replaced by G.
Protein change: p.Pro914Arg; replaces proline 914 with arginine.
Molecular consequence: missense variant.
Genome position (GRCh38, 1-based): chr7:55,198,756, C>G. VCF-style: chr7-55198756-C-G. GRCh37 (hg19) VCF-style: chr7-55266449-C-G.
Other names: c.2606C>G, p.Pro869Arg (NM_001346897.2, NM_001346899.2); c.2741C>G, p.Pro914Arg (NM_001346898.2); c.2582C>G, p.Pro861Arg (NM_001346900.2); c.1940C>G, p.Pro647Arg (NM_001346941.2); short protein forms P647R, P861R, P869R, P914R.
Identifiers: ClinVar variation 1001710 (VCV001001710.8), dbSNP rs1787724844, ClinGen allele CA367581257.

ClinVar aggregate classification (germline): Uncertain significance (1 of 4 stars; one submission).

Conditions:
EGFR-related lung cancer (EGFR). Identifiers: MedGen CN130014.

Submission:

Labcorp Genetics (formerly Invitae), Labcorp
Classification: Uncertain significance for EGFR-related lung cancer. Last evaluated: 2020-08-06. Review status: criteria provided, single submitter. Criteria: Invitae Variant Classification Sherloc (09022015). Collection method: clinical testing. Allele origin: germline.
Comment: In summary, the available evidence is currently insufficient to determine the role of this variant in disease. Therefore, it has been classified as a Variant of Uncertain Significance. Algorithms developed to predict the effect of missense changes on protein structure and function are either unavailable or do not agree on the potential impact of this missense change (SIFT: "Deleterious"; PolyPhen-2: "Probably Damaging"; Align-GVGD: "Class C0"). This variant has not been reported in the literature in individuals with EGFR-related conditions. This variant is not present in population databases (ExAC no frequency). This sequence change replaces proline with arginine at codon 914 of the EGFR protein (p.Pro914Arg). The proline residue is highly conserved and there is a moderate physicochemical difference between proline and arginine.